The following is an entry in ClinVar:

ClinVar aggregate classification (germline): Uncertain significance (1 of 4 stars; one submission).

Allele frequency attached by ClinVar (database versions not stated): TOPMed 0.00001; gnomAD 0.00002.
gnomAD v4.1: 3 of 152,166 alleles (0.002%); highest among the groups gnomAD compares: Admixed American, 0.013%; no homozygotes.

Submission:

Illumina Laboratory Services, Illumina
Classification: Uncertain significance. Last evaluated: 2022-09-23. Review status: criteria provided, single submitter. Criteria: ICSL CNVClassificationCriteria Aug2020. Collection method: clinical testing. Allele origin: unknown. Affected: yes.
Comment: The MMAA c.-66+7915G>A variant occurs in an intron and results in the substitution of a guanine at nucleotide position c.-66+7915 with an adenine. To our knowledge, this variant has not been reported in the peer-reviewed literature and is not predicted to result in abnormal splicing by the SpliceAI algorithm (PMID: 30661751). This variant is reported in the Genome Aggregation Database in two alleles at a frequency of 0.000131 in the Latino population (version 3.1.2). Based on the available evidence, the c.-66+7915G>A variant is classified as a variant of uncertain significance for methylmalonic aciduria, cblA type.

NM_172250.3(MMAA):c.-66+7915G>A

Gene: MMAA (metabolism of cobalamin associated A; plus strand). Cytogenetic location: 4q31.21.
Variant type: single nucleotide variant.
Coding change: c.-66+7915G>A on transcript NM_172250.3 (MANE Select); 7915 bases into the intron after 66 bases upstream of the start codon, G replaced by A.
Molecular consequence: intron variant.
Genome position (GRCh38, 1-based): chr4:145,627,322, G>A. VCF-style: chr4-145627322-G-A. GRCh37 (hg19) VCF-style: chr4-146548474-G-A.
Other names: c.-66+7673G>A (NM_001375644.1).
Identifiers: ClinVar variation 2429396 (VCV002429396.3), dbSNP rs1035201715, ClinGen allele CA107710505.
Genomic context (GRCh38, chr4:145,627,322, plus strand): 5'-ATTCCTTGCAAACTTATCTTACCATTTTTCTGTTTGGAAGGTTGGTTGCATGTCAAAGGT[G>A]TCTTGATTCAAAACAGGAAACTTAGAAGGCAAAATGTTTTAGTAAATGTCCTTCAGTCAC-3'